The following is an entry in ClinVar:

NM_001035.3(RYR2):c.10324-4A>G

Gene: RYR2 (ryanodine receptor 2; plus strand). Cytogenetic location: 1q43.
Variant type: single nucleotide variant.
Coding change: c.10324-4A>G on transcript NM_001035.3 (MANE Select); 4 bases into the intron before coding-DNA position 10324, A replaced by G.
Molecular consequence: intron variant.
Genome position (GRCh38, 1-based): chr1:237,717,194, A>G. VCF-style: chr1-237717194-A-G. GRCh37 (hg19) VCF-style: chr1-237880494-A-G.
Other names: p.?.
Identifiers: ClinVar variation 43698 (VCV000043698.66), dbSNP rs72751287, ClinGen allele CA006610.

ClinVar aggregate classification (germline): Conflicting classifications of pathogenicity. Review status: criteria provided, conflicting classifications (1 of 4 stars). 23 submissions from 22 submitters: Uncertain significance (1); Benign (7); Likely benign (9). 6 of the submissions do not count toward it. Last evaluated 2026-06-01.

Conditions:
RYR2-related disorder. Also called: RYR2-related condition.
Cardiovascular phenotype. Identifiers: MedGen CN230736.
Catecholaminergic polymorphic ventricular tachycardia 1. Also called: VENTRICULAR TACHYCARDIA, STRESS-INDUCED POLYMORPHIC 1; RYR2-Related Catecholaminergic Polymorphic Ventricular Tachycardia; VENTRICULAR TACHYCARDIA, CATECHOLAMINERGIC POLYMORPHIC, 1, WITH OR WITHOUT ATRIAL DYSFUNCTION AND/OR DILATED CARDIOMYOPATHY. Identifiers: Orphanet 3286, MedGen C1631597, MONDO:0011484, OMIM 604772.
Cardiomyopathy (CMYO). Also called: Cardiomyopathies. Identifiers: Orphanet 167848, MedGen C0878544, MONDO:0004994, HP:0001638. Inheritance: Various modes of inheritance.
Arrhythmogenic right ventricular dysplasia 2. Identifiers: MedGen C1832931.

Allele frequency attached by ClinVar (database versions not stated): 1000 Genomes Project 0.00060; 1000 Genomes Project 30x 0.00094; ExAC 0.00183; gnomAD exomes 0.00188; TOPMed 0.00192; gnomAD 0.00197 and 0.00203; ESP Exome Variant Server 0.00241.
gnomAD v4.1: 5,172 of 1,613,052 alleles (0.32%); highest among the groups gnomAD compares: Non-Finnish European, 0.42%; 13 homozygotes.

Submissions (23):

CeGaT Center for Human Genetics Tuebingen
Classification: Benign. Last evaluated: 2026-06-01. Review status: criteria provided, single submitter. Criteria: CeGaT Center For Human Genetics Tuebingen Variant Classification Criteria Version 2. Collection method: clinical testing. Allele origin: germline. Affected: yes. Observed: 4 variant alleles.
Comment: RYR2: BP4, BS1, BS2

Labcorp Genetics (formerly Invitae), Labcorp
Classification: Benign for Catecholaminergic polymorphic ventricular tachycardia 1. Last evaluated: 2026-02-03. Review status: criteria provided, single submitter. Criteria: Invitae Variant Classification Sherloc (09022015). Collection method: clinical testing. Allele origin: germline.

Mayo Clinic Laboratories, Mayo Clinic
Classification: Likely benign. Last evaluated: 2025-06-04. Review status: criteria provided, single submitter. Criteria: ACMG Guidelines, 2015. Collection method: clinical testing. Allele origin: germline. Observed: 12 variant alleles.
Comment: BS1, BP4, BP7

Molecular Diagnostic Laboratory for Inherited Cardiovascular Disease, Montreal Heart Institute
Classification: Likely benign. Last evaluated: 2025-04-09. Review status: criteria provided, single submitter. Criteria: ACMG Guidelines, 2015. Collection method: clinical testing. Allele origin: germline. Affected: no.

Blueprint Genetics
Classification: Likely benign. Last evaluated: 2024-11-19. Review status: criteria provided, single submitter. Criteria: ACMG Guidelines, 2015. Collection method: clinical testing. Allele origin: germline.

ARUP Laboratories, Molecular Genetics and Genomics, ARUP Laboratories
Classification: Likely benign. Last evaluated: 2024-07-30. Review status: criteria provided, single submitter. Criteria: ARUP Molecular Germline Variant Investigation Process 2024. Collection method: clinical testing. Allele origin: germline.

Ambry Genetics
Classification: Likely benign for Cardiovascular phenotype. Last evaluated: 2018-11-27. Review status: criteria provided, single submitter. Criteria: Ambry Variant Classification Scheme 2023. Collection method: clinical testing. Allele origin: germline.

Illumina Laboratory Services, Illumina
Classification: Likely benign for Catecholaminergic polymorphic ventricular tachycardia 1. Last evaluated: 2018-03-12. Review status: criteria provided, single submitter. Criteria: ICSL Variant Classification Criteria 13 December 2019. Collection method: clinical testing. Allele origin: germline.
Comment: This variant was observed as part of a predisposition screen in an ostensibly healthy population. A literature search was performed for the gene, cDNA change, and amino acid change (where applicable). No publications were found based on this search. Allele frequency data from public databases allowed determination this variant is unlikely to cause disease. Therefore, this variant is classified as likely benign.

Illumina Laboratory Services, Illumina
Classification: Uncertain significance for Catecholaminergic polymorphic ventricular tachycardia 1. Last evaluated: 2018-03-12. Review status: criteria provided, single submitter. Criteria: ICSL Variant Classification Criteria 13 December 2019. Collection method: clinical testing. Allele origin: germline.

Color Diagnostics, LLC DBA Color Health
Classification: Benign for Cardiomyopathy. Last evaluated: 2018-03-09. Review status: criteria provided, single submitter. Criteria: ACMG Guidelines, 2015. Collection method: clinical testing. Allele origin: germline.

Women's Health and Genetics/Laboratory Corporation of America, LabCorp
Classification: Benign. Last evaluated: 2018-01-22. Review status: criteria provided, single submitter. Criteria: LabCorp Variant Classification Summary - May 2015. Collection method: clinical testing. Allele origin: germline.
Comment: Variant summary: c.10324-4A>G in RYR2 gene is an intronic change that involves a non-conserved nucleotide. 2/5 programs in Alamut predict that this variant creates a new cryptic donor site, however no functional studies supporting this notion were published at the time of evaluation. The variant is present in the control population dataset of gnomAD at frequency of 0.00186 (513/275834chrs tested), predominantly in individuals of European (N-F) descent (0.0038;483/ 126018 chrs tested, including 1 homozygote). The observed frequency greatly exceeds the maximum expected allele frequency for a pathogenic variant of 0.00003, suggesting that it is a common polymorphism. The variant of interest has not, to our knowledge, been reported in affected individuals in published reports but is cited as Benign by reputable database/clinical laboratory. Taking together, the variant was classified as Benign.

Institute for Genomic Medicine (IGM) Clinical Laboratory, Nationwide Children's Hospital
Classification: Likely benign. Last evaluated: 2017-11-01. Review status: criteria provided, single submitter. Criteria: ACMG Guidelines, 2015. Collection method: clinical testing. Allele origin: germline.
Comment: BS1, BP4, BP6; This alteration has an allele frequency that is greater than expected for the associated disease, is predicted to be tolerated by multiple functional prediction tools, and was reported as a benign/likely benign alteration by a reputable source (ClinVar or other correspondence from a clinical testing laboratory).

CHEO Genetics Diagnostic Laboratory, Children's Hospital of Eastern Ontario
Classification: Likely benign for Cardiomyopathy. Last evaluated: 2017-08-21. Review status: criteria provided, single submitter. Criteria: ACMG Guidelines, 2015. Collection method: clinical testing. Allele origin: germline. Study: Canadian Open Genetics Repository.

Genomic Diagnostic Laboratory, Division of Genomic Diagnostics, Children's Hospital of Philadelphia
Classification: Benign for Catecholaminergic polymorphic ventricular tachycardia. Last evaluated: 2015-05-11. Review status: criteria provided, single submitter. Criteria: DGD Variant Analysis Guidelines. Collection method: clinical testing. Allele origin: unknown.

GeneDx
Classification: Benign. Last evaluated: 2015-03-03. Review status: criteria provided, single submitter. Criteria: GeneDx Variant Classification Process June 2021. Collection method: clinical testing. Allele origin: germline. Affected: yes.

Eurofins Ntd Llc (ga)
Classification: Likely benign. Last evaluated: 2014-04-10. Review status: criteria provided, single submitter. Criteria: EGL Classification Definitions 2015. Collection method: clinical testing. Allele origin: germline. Observed: 1 variant allele, 1 heterozygote.

Laboratory for Molecular Medicine, Mass General Brigham Personalized Medicine
Classification: Benign. Last evaluated: 2013-01-12. Review status: criteria provided, single submitter. Criteria: LMM Criteria. Collection method: clinical testing. Allele origin: germline. Observed: 10 variant alleles.
Comment: 10324-4A>G in intron 71 of RYR2: This variant is not expected to have clinical s ignificance because it does not affect the splicing consensus sequence and has b een identified in 0.3% (23/6634) of chromosomes from a broad population by the N HGRI Exome Sequencing Project.

PreventionGenetics, part of Exact Sciences
Classification: Benign for RYR2-related condition. Last evaluated: 2020-03-09. Review status: no assertion criteria provided. Collection method: clinical testing. Allele origin: germline. Not counted in ClinVar's aggregate classification.
Comment: This variant is classified as benign based on ACMG/AMP sequence variant interpretation guidelines (Richards et al. 2015 PMID: 25741868, with internal and published modifications).

Clinical Genetics DNA and cytogenetics Diagnostics Lab, Erasmus MC, Erasmus Medical Center
Classification: Likely benign. Review status: no assertion criteria provided. Collection method: clinical testing. Allele origin: germline. Affected: yes. Study: VKGL Data-share Consensus. Not counted in ClinVar's aggregate classification.

Clinical Genetics, Academic Medical Center
Classification: Benign. Review status: no assertion criteria provided. Collection method: clinical testing. Allele origin: germline. Affected: yes. Study: VKGL Data-share Consensus. Not counted in ClinVar's aggregate classification.

Diagnostic Laboratory, Department of Genetics, University Medical Center Groningen
Classification: Likely benign. Review status: no assertion criteria provided. Collection method: clinical testing. Allele origin: germline. Affected: yes. Study: VKGL Data-share Consensus. Not counted in ClinVar's aggregate classification.

Genome Diagnostics Laboratory, University Medical Center Utrecht
Classification: Benign. Review status: no assertion criteria provided. Collection method: clinical testing. Allele origin: germline. Affected: yes. Study: VKGL Data-share Consensus. Not counted in ClinVar's aggregate classification.

Joint Genome Diagnostic Labs from Nijmegen and Maastricht, Radboudumc and MUMC+
Classification: Benign. Review status: no assertion criteria provided. Collection method: clinical testing. Allele origin: germline. Affected: yes. Study: VKGL Data-share Consensus. Not counted in ClinVar's aggregate classification.

Literature cited by the submitters: PubMed 26606670 (cited by Mayo Clinic Laboratories, Mayo Clinic).